The following is an entry in ClinVar:

ClinVar aggregate classification (germline): Benign/Likely benign. Review status: criteria provided, multiple submitters, no conflicts (2 of 4 stars). 11 submissions from 11 submitters: Benign (7); Likely benign (1). 3 of the submissions do not count toward it. Last evaluated 2026-06-01.

Conditions:
DYNC1H1-related disorder. Also called: DYNC1H1-related condition; DYNC1H1-related disorders. Identifiers: MedGen CN381529.
Inborn genetic diseases. Identifiers: MedGen C0950123, MeSH D030342.
Charcot-Marie-Tooth disease axonal type 2O. Also called: CHARCOT-MARIE-TOOTH NEUROPATHY, AXONAL, TYPE 2O; CHARCOT-MARIE-TOOTH DISEASE, AXONAL, AUTOSOMAL DOMINANT, TYPE 2O; Charcot-Marie-Tooth Neuropathy Type 2O; Charcot-Marie-Tooth disease, axonal, type 20. Identifiers: Orphanet 284232, MedGen C3280220, MONDO:0013644, OMIM 614228.

Allele frequency attached by ClinVar (database versions not stated): gnomAD exomes 0.00041 and 0.00090; ExAC 0.00092; ESP Exome Variant Server 0.00261; gnomAD 0.00337 and 0.00357; TOPMed 0.00377; 1000 Genomes Project 0.00419; 1000 Genomes Project 30x 0.00468.
gnomAD v4.1: 1,140 of 1,614,052 alleles (0.071%); highest among the groups gnomAD compares: African/African-American, 1.2%; 13 homozygotes.

Submissions (11):

CeGaT Center for Human Genetics Tuebingen
Classification: Likely benign. Last evaluated: 2026-06-01. Review status: criteria provided, single submitter. Criteria: CeGaT Center For Human Genetics Tuebingen Variant Classification Criteria Version 2. Collection method: clinical testing. Allele origin: germline. Affected: yes. Observed: 6 variant alleles.
Comment: DYNC1H1: BP4, BP7, BS1

Labcorp Genetics (formerly Invitae), Labcorp
Classification: Benign for Charcot-Marie-Tooth disease axonal type 2O. Last evaluated: 2026-02-03. Review status: criteria provided, single submitter. Criteria: Invitae Variant Classification Sherloc (09022015). Collection method: clinical testing. Allele origin: germline.

ARUP Laboratories, Molecular Genetics and Genomics, ARUP Laboratories
Classification: Benign. Last evaluated: 2024-10-11. Review status: criteria provided, single submitter. Criteria: ARUP Molecular Germline Variant Investigation Process 2024. Collection method: clinical testing. Allele origin: germline.

Athena Diagnostics
Classification: Benign. Last evaluated: 2018-03-30. Review status: criteria provided, single submitter. Criteria: Athena Diagnostics Criteria. Collection method: clinical testing. Allele origin: germline.

Ambry Genetics
Classification: Benign for Inborn genetic diseases. Last evaluated: 2016-03-17. Review status: criteria provided, single submitter. Criteria: Ambry Variant Classification Scheme 2023. Collection method: clinical testing. Allele origin: germline.

GeneDx
Classification: Benign. Last evaluated: 2016-03-03. Review status: criteria provided, single submitter. Criteria: GeneDx Variant Classification (06012015). Collection method: clinical testing. Allele origin: germline. Affected: yes.
Comment: This variant is considered likely benign or benign based on one or more of the following criteria: it is a conservative change, it occurs at a poorly conserved position in the protein, it is predicted to be benign by multiple in silico algorithms, and/or has population frequency not consistent with disease.

Eurofins Ntd Llc (ga)
Classification: Benign. Last evaluated: 2015-04-02. Review status: criteria provided, single submitter. Criteria: EGL Classification Definitions 2015. Collection method: clinical testing. Allele origin: germline. Observed: 1 variant allele, 1 heterozygote.

Breakthrough Genomics
Classification: Benign. Review status: criteria provided, single submitter. Criteria: ACMG Guidelines, 2015. Collection method: not provided. Allele origin: germline. Inheritance: Autosomal dominant inheritance. Affected: yes.

PreventionGenetics, part of Exact Sciences
Classification: Benign for DYNC1H1-related condition. Last evaluated: 2024-07-26. Review status: no assertion criteria provided. Collection method: clinical testing. Allele origin: germline. Not counted in ClinVar's aggregate classification.
Comment: This variant is classified as benign based on ACMG/AMP sequence variant interpretation guidelines (Richards et al. 2015 PMID: 25741868, with internal and published modifications).

Clinical Genetics DNA and cytogenetics Diagnostics Lab, Erasmus MC, Erasmus Medical Center
Classification: Likely benign. Review status: no assertion criteria provided. Collection method: clinical testing. Allele origin: germline. Affected: yes. Study: VKGL Data-share Consensus. Not counted in ClinVar's aggregate classification.

Clinical Genetics, Academic Medical Center
Classification: Benign. Review status: no assertion criteria provided. Collection method: clinical testing. Allele origin: germline. Affected: yes. Study: VKGL Data-share Consensus. Not counted in ClinVar's aggregate classification.

NM_001376.5(DYNC1H1):c.4533G>A (p.Pro1511=)

Gene: DYNC1H1 (dynein cytoplasmic 1 heavy chain 1; plus strand). Cytogenetic location: 14q32.31.
Variant type: single nucleotide variant.
Coding change: c.4533G>A on transcript NM_001376.5 (MANE Select); coding-DNA position 4533, G replaced by A.
Protein change: p.Pro1511=; no amino-acid change (proline 1511 retained).
Molecular consequence: synonymous variant.
Genome position (GRCh38, 1-based): chr14:102,001,672, G>A. VCF-style: chr14-102001672-G-A. GRCh37 (hg19) VCF-style: chr14-102468009-G-A.
Identifiers: ClinVar variation 195580 (VCV000195580.48), dbSNP rs150900416, ClinGen allele CA201831.